The following is an entry in ClinVar:

NM_000632.4(ITGAM):c.925C>T (p.Arg309Cys)

Gene: ITGAM (integrin subunit alpha M; plus strand). Cytogenetic location: 16p11.2.
Variant type: single nucleotide variant.
Coding change: c.925C>T on transcript NM_000632.4 (MANE Select); coding-DNA position 925, C replaced by T.
Protein change: p.Arg309Cys; replaces arginine 309 with cysteine.
Molecular consequence: missense variant.
Genome position (GRCh38, 1-based): chr16:31,275,615, C>T. VCF-style: chr16-31275615-C-T. GRCh37 (hg19) VCF-style: chr16-31286936-C-T.
Other names: c.925C>T, p.Arg309Cys (NM_001145808.2); short protein forms R309C.
Identifiers: ClinVar variation 1397578 (VCV001397578.8), dbSNP rs774088263, ClinGen allele CA8025380.
Genomic context (GRCh38, chr16:31,275,615, plus strand): 5'-GATGCCTTCCGCAGTGAGAAATCCCGCCAAGAGCTTAATACCATCGCATCCAAGCCGCCT[C>T]GTGATCACGTGTTCCAGGTGAATAACTTTGAGGCTCTGAAGACCATTCAGAACCAGCTTC-3'
Protein context (NP_000623.2, residues 299-319): ELNTIASKPP[Arg309Cys]DHVFQVNNFE

ClinVar aggregate classification (germline): Uncertain significance (1 of 4 stars; one submission).

Allele frequency attached by ClinVar (database versions not stated): ExAC 0.00001; gnomAD 0.00002; TOPMed 0.00002.
gnomAD v4.1: 35 of 1,613,806 alleles (0.0022%); highest among the groups gnomAD compares: African/African-American, 0.0027%; no homozygotes.

Submission:

Labcorp Genetics (formerly Invitae), Labcorp
Classification: Uncertain significance. Last evaluated: 2025-07-02. Review status: criteria provided, single submitter. Criteria: Invitae Variant Classification Sherloc (09022015). Collection method: clinical testing. Allele origin: germline.
Comment: This sequence change replaces arginine, which is basic and polar, with cysteine, which is neutral and slightly polar, at codon 309 of the ITGAM protein (p.Arg309Cys). This variant is present in population databases (rs774088263, gnomAD 0.004%). This variant has not been reported in the literature in individuals affected with ITGAM-related conditions. ClinVar contains an entry for this variant (Variation ID: 1397578). An algorithm developed to predict the effect of missense changes on protein structure and function (PolyPhen-2) suggests that this variant is likely to be disruptive. In summary, the available evidence is currently insufficient to determine the role of this variant in disease. Therefore, it has been classified as a Variant of Uncertain Significance.